The following is an entry in ClinVar:

ClinVar aggregate classification (germline): Uncertain significance (1 of 4 stars; one submission).

Conditions:
MYO3A-related disorder. Also called: MYO3A-related condition.

gnomAD v4.1: 13 of 1,613,734 alleles (0.00081%); highest among the groups gnomAD compares: Non-Finnish European, 0.0011%; no homozygotes.

Submission:

PreventionGenetics, part of Exact Sciences
Classification: Uncertain significance for MYO3A-related condition. Last evaluated: 2026-07-27. Review status: criteria provided, single submitter. Criteria: ACMG Guidelines, 2015. Collection method: clinical testing. Allele origin: germline.
Comment: The MYO3A c.4613A>G variant is predicted to result in the amino acid substitution p.Asp1538Gly. To our knowledge, this variant has not been reported in the literature or in a large population database (gnomAD), indicating this variant is rare. At this time, the clinical significance of this variant is uncertain due to the absence of conclusive functional and genetic evidence.

NM_017433.5(MYO3A):c.4613A>G (p.Asp1538Gly)

Gene: MYO3A (myosin IIIA; plus strand). Cytogenetic location: 10p12.1.
Variant type: single nucleotide variant.
Coding change: c.4613A>G on transcript NM_017433.5 (MANE Select); coding-DNA position 4613, A replaced by G.
Protein change: p.Asp1538Gly; replaces aspartic acid 1538 with glycine.
Molecular consequence: missense variant.
Genome position (GRCh38, 1-based): chr10:26,202,990, A>G. VCF-style: chr10-26202990-A-G. GRCh37 (hg19) VCF-style: chr10-26491919-A-G.
Other names: short protein forms D1538G.
Identifiers: ClinVar variation 3354798 (VCV003354798.2).